The following is an entry in ClinVar:

NM_014458.4(KLHL20):c.978G>C (p.Trp326Cys)

Gene: KLHL20 (kelch like family member 20; plus strand). Cytogenetic location: 1q25.1.
Variant type: single nucleotide variant.
Coding change: c.978G>C on transcript NM_014458.4 (MANE Select); coding-DNA position 978, G replaced by C.
Protein change: p.Trp326Cys; replaces tryptophan 326 with cysteine.
Molecular consequence: missense variant.
Genome position (GRCh38, 1-based): chr1:173,756,986, G>C. VCF-style: chr1-173756986-G-C. GRCh37 (hg19) VCF-style: chr1-173726125-G-C.
Other names: short protein forms W326C.
Identifiers: ClinVar variation 4292562 (VCV004292562.1).

ClinVar aggregate classification (germline): Uncertain significance (1 of 4 stars; one submission).

Conditions:
KLHL20-related disorder.

Submission:

3billion
Classification: Uncertain significance for KLHL20-related disorder. Last evaluated: 2024-06-21. Review status: criteria provided, single submitter. Criteria: ACMG Guidelines, 2015. Collection method: clinical testing. Allele origin: germline. Affected: yes.
Comment: The variant is not observed in the gnomAD v4.0.0 dataset. Predicted Consequence/Location: Missense changes are a common disease-causing mechanism. In silico tool predictions suggest damaging effect of the variant on gene or gene product [REVEL: 0.74 (>=0.6, sensitivity 0.68 and specificity 0.92); 3Cnet: 0.55 (>=0.6, sensitivity 0.72 and precision 0.9)]. Therefore, this variant is classified as VUS according to the recommendation of ACMG/AMP guideline.